The following is an entry in ClinVar:

NM_001042492.3(NF1):c.1260+1604A>G

Gene: NF1 (neurofibromin 1; plus strand). Cytogenetic location: 17q11.2.
Variant type: single nucleotide variant.
Coding change: c.1260+1604A>G on transcript NM_001042492.3 (MANE Select); 1604 bases into the intron after coding-DNA position 1260, A replaced by G.
Molecular consequence: intron variant.
Genome position (GRCh38, 1-based): chr17:31,203,089, A>G. VCF-style: chr17-31203089-A-G. GRCh37 (hg19) VCF-style: chr17-29530107-A-G.
Other names: c.1260+1604A>G (NM_000267.4, NM_001128147.3).
Identifiers: ClinVar variation 428941 (VCV000428941.72), dbSNP rs1131691067, ClinGen allele CA645369654.
Genomic context (GRCh38, chr17:31,203,089, plus strand): 5'-TATATACTTTTTTGATACTTTGTGGCTAGTTACTTTAATTGTGAAATATTTTTGTCTACA[A>G]CTGACTACATAGAGCACTTTCAAGCATGGACTTGGCACTGCTGTAAGTGGCTGAGCTGCT-3'

ClinVar aggregate classification (germline): Pathogenic/Likely pathogenic. Review status: criteria provided, multiple submitters, no conflicts (2 of 4 stars). 20 submissions from 19 submitters: Pathogenic (18); Likely pathogenic (2). Last evaluated 2026-10-06.

Conditions:
NF1-related disorder. Also called: NF1-related condition. Identifiers: MedGen CN379171.
Hereditary cancer-predisposing syndrome. Also called: Hereditary neoplastic syndrome; Tumor predisposition; Hereditary Cancer Syndrome; Neoplastic Syndromes, Hereditary. Identifiers: Orphanet 140162, MedGen C0027672, MeSH D009386, MONDO:0015356.
Cardiovascular phenotype. Identifiers: MedGen CN230736.
Neurofibromatosis, type 1 (NF1). Also called: Peripheral type neurofibromatosis; NEUROFIBROMATOSIS, TYPE I, SOMATIC; VON RECKLINGHAUSEN DISEASE; Neurofibromatosis, type I. Identifiers: Orphanet 636, MedGen C0027831, MONDO:0018975, OMIM 162200. Disease mechanism: loss of function.

Submissions 1 to 11 of 20:

NHS Central & South Genomic Laboratory Hub
Classification: Pathogenic for Neurofibromatosis type 1. Last evaluated: 2026-10-06. Review status: criteria provided, single submitter. Criteria: ACMG Guidelines, 2015. Collection method: clinical testing. Allele origin: germline. Affected: yes.

Dasa
Classification: Likely pathogenic. Last evaluated: 2026-04-24. Review status: criteria provided, single submitter. Criteria: DASA Assertion Criteria. Collection method: clinical testing. Allele origin: germline.
Comment: NM_001042492.3(NF1):c.1260+1604A>G is an intronic variant. This variant has been reported in individuals with NF1-related disorders. Also, this variant is rare in population databases. Computational evidence supports a deleterious effect. Based on the currently available evidence, this variant is classified as likely pathogenic.

PreventionGenetics, part of Exact Sciences
Classification: Pathogenic for NF1-related condition. Last evaluated: 2026-03-15. Review status: criteria provided, single submitter. Criteria: ACMG Guidelines, 2015. Collection method: clinical testing. Allele origin: germline.
Comment: The NF1 c.1260+1604A>G variant is predicted to interfere with splicing. This variant, also described as IVS9+1604A>G in the literature, has been reported in multiple unrelated individuals with neurofibromatosis type 1 (NF1) and related phenotypes (Valero et al. 2011. PubMed ID: 21354044; Table S5, Sabbagh et al. 2013. PubMed ID: 23913538; Table S1, Riva et al. 2021. PubMed ID: 34427956; Table S1, Koczkowska et al. 2023. PubMed ID: 37186028; Wang et al. 2018. PubMed ID: 28891274). RNA sequencing of multiple patient samples confirmed that this variant activates a cryptic splice acceptor site, which leads to the insertion of 42 base pairs of intronic sequence between exons 11 and 12 of the NF1 gene that contains a premature termination codon (p.Ser421Leufs*4) (Valero et al. 2011. PubMed ID: 21354044; Sabbagh et al. 2013. PubMed ID: 23913538; Koster et al. 2021. PubMed ID: 34782607). This variant has not been reported in a large population database (gnomAD), indicating this variant is rare, and has been interpreted as pathogenic by multiple independent submitters to ClinVar (Variation ID: 428941). Variants in NF1 leading to premature protein termination are expected to be pathogenic. This variant is interpreted as pathogenic.

Medical and Scientific Branch, Hong Kong Genome Institute
Classification: Pathogenic for Neurofibromatosis, type 1. Last evaluated: 2026-01-26. Review status: criteria provided, single submitter. Criteria: ACMG Guidelines, 2015. Collection method: clinical testing. Allele origin: de novo. Affected: yes.

Labcorp Genetics (formerly Invitae), Labcorp
Classification: Pathogenic for Neurofibromatosis, type 1. Last evaluated: 2025-10-07. Review status: criteria provided, single submitter. Criteria: Invitae Variant Classification Sherloc (09022015). Collection method: clinical testing. Allele origin: germline.
Comment: This sequence change falls in intron 11 of the NF1 gene. It does not directly change the encoded amino acid sequence of the NF1 protein. RNA analysis indicates that this variant induces altered splicing and may result in an absent or altered protein product. This variant is not present in population databases (gnomAD no frequency). This variant has been observed in individual(s) with neurofibromatosis type 1 (PMID: 21354044, 23913538, 27999334; internal data). In at least one individual the variant was observed to be de novo. Invitae Evidence Modeling of clinical and family history, age, sex, and reported ancestry of multiple individuals with this NF1 variant has been performed. This variant is expected to be pathogenic with a positive predictive value of at least 99%. This is a validated machine learning model that incorporates the clinical features of 1,785,918 individuals referred to our laboratory for NF1 testing. This variant is also known as IVS9+1604A>G. ClinVar contains an entry for this variant (Variation ID: 428941). Studies have shown that this variant results in activation of a cryptic splice site, and produces a non-functional protein and/or introduces a premature termination codon (PMID: 11115850, 23913538; internal data). For these reasons, this variant has been classified as Pathogenic.

Division of Genetic & Genomic Pathology, Hong Kong Children's Hospital
Classification: Pathogenic for Neurofibromatosis, type 1. Last evaluated: 2025-05-28. Review status: criteria provided, single submitter. Criteria: ACMG Guidelines, 2015. Collection method: clinical testing. Allele origin: germline. Affected: yes.
Comment: The NF1 c.1260+1604A>G variant is a deep intronic variant in intron 11 of the gene. RNA studies demonstrated that this alteration results in insertion of a pseudoexon, which is predicted to lead to frameshift and subsequent premature termination codon (PMID: 21354044, 23913538, 31370276). This variant is absent in population databases (gnomAD v4.1.0). It has been deposited as pathogenic in ClinVar by ten submitters (ClinVar accession: VCV000428941.41) and reported in multiple individuals with a clinical diagnosis of neurofibromatosis type 1 (PMID: 21354044, 23913538, 27999334, 31370276). For these reasons, this variant is classified as pathogenic.

Women's Health and Genetics/Laboratory Corporation of America, LabCorp
Classification: Pathogenic for Neurofibromatosis, type 1. Last evaluated: 2025-02-18. Review status: criteria provided, single submitter. Criteria: LabCorp Variant Classification Summary - May 2015. Collection method: clinical testing. Allele origin: germline.
Comment: Variant summary: NF1 c.1260+1604A>G is located at a position not widely known to affect splicing. Several computational tools predict a significant impact on normal splicing: Four predict the variant creates a cryptic 3' acceptor site. At least one publication reports experimental evidence that this variant affects mRNA splicing (Koczkowska_2023). The variant was absent in 31406 control chromosomes (gnomAD). c.1260+1604A>G has been reported in the literature in multiple individuals affected with Neurofibromatosis Type 1 (Koczkowska_2023). These data indicate that the variant is very likely to be associated with disease. The following publication has been ascertained in the context of this evaluation (PMID: 37186028). ClinVar contains an entry for this variant (Variation ID: 428941). Based on the evidence outlined above, the variant was classified as pathogenic.

ARUP Laboratories, Molecular Genetics and Genomics, ARUP Laboratories
Classification: Pathogenic. Last evaluated: 2025-01-03. Review status: criteria provided, single submitter. Criteria: ARUP Molecular Germline Variant Investigation Process 2024. Collection method: clinical testing. Allele origin: germline.
Comment: The NF1 c.1260+1604A>G variant (rs1131691067) is reported in the literature in multiple individuals with NF1 (Assunto 2019, Giugliano 2019, Koster 2021, Valero 2011, Wang 2018). This variant is also reported in ClinVar (Variation ID: 428941). It is absent from the Genome Aggregation Database (v2.1.1), indicating it is not a common polymorphism. This is an intronic variant and RNA analysis has demonstrated that this variant creates a cryptic splice site leading to a premature termination codon (Valero 2011). Based on available information, this variant is considered to be pathogenic. References: Assunto A et al. Isoform-specific NF1 mRNA levels correlate with disease severity in Neurofibromatosis type 1. Orphanet J Rare Dis. 2019 Nov 15;14(1):261. PMID: 31730495. Giugliano T et al. Clinical and Genetic Findings in Children with Neurofibromatosis Type 1, Legius Syndrome, and Other Related Neurocutaneous Disorders. Genes (Basel). 2019 Jul 31;10(8):580. PMID: 31370276. Koster R et al. Pathogenic neurofibromatosis type 1 (NF1) RNA splicing resolved by targeted RNAseq. NPJ Genom Med. 2021 Nov 15;6(1):95. PMID: 34782607. Valero MC et al. A highly sensitive genetic protocol to detect NF1 mutations. J Mol Diagn. 2011 Mar;13(2):113-22. PMID: 21354044. Wang X et al. Breast cancer risk and germline genomic profiling of women with neurofibromatosis type 1 who developed breast cancer. Genes Chromosomes Cancer. 2018 Jan;57(1):19-27. PMID: 28891274.

CeGaT Center for Human Genetics Tuebingen
Classification: Pathogenic. Last evaluated: 2024-05-01. Review status: criteria provided, single submitter. Criteria: CeGaT Center For Human Genetics Tuebingen Variant Classification Criteria Version 2. Collection method: clinical testing. Allele origin: germline. Affected: yes. Observed: 4 variant alleles.
Comment: NF1: PVS1, PM2, PS4:Moderate, PP4

Blueprint Genetics
Classification: Pathogenic for NF1-related disorders. Last evaluated: 2023-12-28. Review status: criteria provided, single submitter. Criteria: ACMG Guidelines, 2015. Collection method: clinical testing. Allele origin: germline. Affected: yes. Observed: 4 variant alleles.

Quest Diagnostics Nichols Institute San Juan Capistrano
Classification: Pathogenic. Last evaluated: 2023-11-09. Review status: criteria provided, single submitter. Criteria: Quest Diagnostics criteria. Collection method: clinical testing. Allele origin: unknown.
Comment: The NF1 c.1260+1604A>G variant has been reported in the published literature in several individuals with neurofibromatosis 1 (NF1) (PMID: 23913538 (2013), 21354044 (2011), 27322474 (2016), 27999334 (2016), 28891274 (2018), 31370276 (2019), 31730495 (2019)). In addition, studies have shown that this variant causes an insertion of cryptic exon resulting in frameshift and a truncated protein product (PMID: 21354044 (2011), 23913538 (2013)). This variant has not been reported in large, multi-ethnic general populations (Genome Aggregation Database). Based on the available information, this variant is classified as pathogenic.